The following is an entry in ClinVar:

NM_004667.6(HERC2):c.7126C>G (p.Pro2376Ala)

Gene: HERC2 (HECT and RLD domain containing E3 ubiquitin protein ligase 2; minus strand). Cytogenetic location: 15q13.1.
Variant type: single nucleotide variant.
Coding change: c.7126C>G on transcript NM_004667.6 (MANE Select); coding-DNA position 7126, C replaced by G.
Protein change: p.Pro2376Ala; replaces proline 2376 with alanine.
Molecular consequence: missense variant.
Genome position (GRCh38, 1-based): chr15:28,206,326, G>C on the plus strand (C>G on the coding strand, the complement: HERC2 is on the minus strand). VCF-style: chr15-28206326-G-C. GRCh37 (hg19) VCF-style: chr15-28451472-G-C.
Other names: short protein forms P2376A.
Identifiers: ClinVar variation 4278705 (VCV004278705.1).
Genomic context (GRCh38, chr15:28,206,326, plus strand): 5'-CCTTCACAGGAGACGGCTGGGTGGCCGAGGCCAGCAGCTGCTGCAAGAGGATCATGGGGG[G>C]CTGCGGCCCTTCAGGAGACATGTCCCCAAGGTCAGGTGATACCACTGCTCCATCATCTGA-3'
Protein context (NP_004658.3, residues 2366-2386): LGDMSPEGPQ[Pro2376Ala]PMILLQQLLA

ClinVar aggregate classification (germline): Uncertain significance (1 of 4 stars; one submission).

Submission:

GeneDx
Classification: Uncertain significance. Last evaluated: 2025-03-31. Review status: criteria provided, single submitter. Criteria: GeneDx Variant Classification Process June 2021. Collection method: clinical testing. Allele origin: germline. Affected: yes.
Comment: Not observed at significant frequency in large population cohorts (gnomAD); In silico analysis indicates that this missense variant does not alter protein structure/function; Has not been previously published as pathogenic or benign to our knowledge